The following is an entry in ClinVar:

NM_000843.4(GRM6):c.1354+5G>A

Genes: GRM6 (glutamate metabotropic receptor 6; minus strand), ZNF454 (zinc finger protein 454; plus strand). Cytogenetic location: 5q35.3.
Variant type: single nucleotide variant.
Coding change: c.1354+5G>A on transcript NM_000843.4 (MANE Select); 5 bases into the intron after coding-DNA position 1354, G replaced by A.
Molecular consequence: intron variant.
Genome position (GRCh38, 1-based): chr5:178,988,930, C>T on the plus strand (G>A on the coding strand, the complement: GRM6 is on the minus strand). VCF-style: chr5-178988930-C-T. GRCh37 (hg19) VCF-style: chr5-178415931-C-T.
Identifiers: ClinVar variation 2013313 (VCV002013313.4), dbSNP rs2480387618, ClinGen allele CA2580074085.
Genomic context (GRCh38, chr5:178,988,930, plus strand): 5'-CCTCACAGCAAAATCCAGCCCCCCAGCTGTCCTTCACTGCTGCAGGGGGGCAGGCACCCA[C>T]TCACCATTGAAGCGGACAGCTCGAATGTACTGCAGAAGCATCCGCCCATCAGTGGGTTCC-3'

ClinVar aggregate classification (germline): Uncertain significance (1 of 4 stars; one submission).

Submission:

Labcorp Genetics (formerly Invitae), Labcorp
Classification: Uncertain significance. Last evaluated: 2022-07-02. Review status: criteria provided, single submitter. Criteria: Invitae Variant Classification Sherloc (09022015). Collection method: clinical testing. Allele origin: germline.
Comment: In summary, the available evidence is currently insufficient to determine the role of this variant in disease. Therefore, it has been classified as a Variant of Uncertain Significance. Variants that disrupt the consensus splice site are a relatively common cause of aberrant splicing (PMID: 17576681, 9536098). Algorithms developed to predict the effect of sequence changes on RNA splicing suggest that this variant may disrupt the consensus splice site. This variant has not been reported in the literature in individuals affected with GRM6-related conditions. This variant is not present in population databases (gnomAD no frequency). This sequence change falls in intron 6 of the GRM6 gene. It does not directly change the encoded amino acid sequence of the GRM6 protein. It affects a nucleotide within the consensus splice site.

Literature cited by the submitters: PubMed 17576681; PubMed 9536098.